The following is an entry in ClinVar:

ClinVar aggregate classification (germline): Uncertain significance (1 of 4 stars; one submission).

Conditions:
Hereditary cancer-predisposing syndrome. Also called: Tumor predisposition; Neoplastic Syndromes, Hereditary; Hereditary Cancer Syndrome; Hereditary neoplastic syndrome. Identifiers: Orphanet 140162, MedGen C0027672, MeSH D009386, MONDO:0015356.

gnomAD v4.1: 1 of 1,614,010 alleles (0.000062%); highest among the groups gnomAD compares: Non-Finnish European, 0.000085%; no homozygotes.

Submission:

Ambry Genetics
Classification: Uncertain significance for Hereditary cancer-predisposing syndrome. Last evaluated: 2025-01-16. Review status: criteria provided, single submitter. Criteria: Ambry Variant Classification Scheme 2023. Collection method: clinical testing. Allele origin: germline.
Comment: The p.P483R variant (also known as c.1448C>G), located in coding exon 14 of the NF2 gene, results from a C to G substitution at nucleotide position 1448. The proline at codon 483 is replaced by arginine, an amino acid with dissimilar properties. This amino acid position is well conserved in available vertebrate species. In addition, the in silico prediction for this alteration is inconclusive. Based on the available evidence, the clinical significance of this variant remains unclear.

NM_000268.4(NF2):c.1448C>G (p.Pro483Arg)

Gene: NF2 (NF2, moesin-ezrin-radixin like (MERLIN) tumor suppressor; plus strand). Cytogenetic location: 22q12.2.
Variant type: single nucleotide variant.
Coding change: c.1448C>G on transcript NM_000268.4 (MANE Select); coding-DNA position 1448, C replaced by G.
Protein change: p.Pro483Arg; replaces proline 483 with arginine.
Molecular consequence: missense variant. On other transcripts: non-coding transcript variant (1), intron variant (1).
Genome position (GRCh38, 1-based): chr22:29,678,197, C>G. VCF-style: chr22-29678197-C-G. GRCh37 (hg19) VCF-style: chr22-30074186-C-G.
Other names: c.1334C>G, p.Pro445Arg (NM_001407053.1, NM_001407056.1); c.1322C>G, p.Pro441Arg (NM_001407055.1, NM_181828.3); c.1448C>G, p.Pro483Arg (NM_001407060.1, NM_001407066.1, NM_016418.5 and 2 more transcripts); c.1313C>G, p.Pro438Arg (NM_001407057.1, NM_001407059.1); c.1325C>G, p.Pro442Arg (NM_001407058.1, NM_001407054.1, NM_181829.3); c.1190C>G, p.Pro397Arg (NM_001407062.1); c.1199C>G, p.Pro400Arg (NM_001407063.1, NM_001407064.1, NM_181830.3 and 1 more transcripts); c.914C>G, p.Pro305Arg (NM_001407065.1); and 2 more; short protein forms P397R, P400R, P438R, P305R, P442R, P483R, P406R, P441R.
Identifiers: ClinVar variation 3879168 (VCV003879168.1).